The following is an entry in ClinVar:

ClinVar aggregate classification (germline): Benign (1 of 4 stars; one submission).

Conditions:
Nail-patella syndrome (NPS). Also called: FONG DISEASE; ONYCHOOSTEODYSPLASIA; TURNER-KIESER SYNDROME. Identifiers: Orphanet 2614, MedGen C0027341, MONDO:0008061, OMIM 161200.

Allele frequency attached by ClinVar (database versions not stated): gnomAD 0.00938 and 0.00995; 1000 Genomes Project 0.01058; TOPMed 0.01062; 1000 Genomes Project 30x 0.01171.

Submission:

Illumina Laboratory Services, Illumina
Classification: Benign for Nail-patella syndrome. Last evaluated: 2018-01-13. Review status: criteria provided, single submitter. Criteria: ICSL Variant Classification Criteria 13 December 2019. Collection method: clinical testing. Allele origin: germline.
Comment: This variant was observed in the ICSL laboratory as part of a predisposition screen in an ostensibly healthy population. It had not been previously curated by ICSL or reported in the Human Gene Mutation Database (HGMD: prior to June 1st, 2018), and was therefore a candidate for classification through an automated scoring system. Utilizing variant allele frequency, disease prevalence and penetrance estimates, and inheritance mode, an automated score was calculated to assess if this variant is too frequent to cause the disease. Based on the score and internal cut-off values, a variant classified as benign is not then subjected to further curation. The score for this variant resulted in a classification of benign for this disease.

NM_001174147.2(LMX1B):c.*1604A>G

Gene: LMX1B (LIM homeobox transcription factor 1 beta; plus strand). Cytogenetic location: 9q33.3.
Variant type: single nucleotide variant.
Coding change: c.*1604A>G on transcript NM_001174147.2 (MANE Select); 1604 bases downstream of the stop codon, A replaced by G.
Molecular consequence: 3 prime UTR variant.
Genome position (GRCh38, 1-based): chr9:126,698,055, A>G. VCF-style: chr9-126698055-A-G. GRCh37 (hg19) VCF-style: chr9-129460334-A-G.
Other names: c.*1604A>G (NM_001174146.2, NM_002316.4).
Identifiers: ClinVar variation 364936 (VCV000364936.5), dbSNP rs146126278, ClinGen allele CA10628934.
Genomic context (GRCh38, chr9:126,698,055, plus strand): 5'-CCTCCCTAGTAGCTGAGATTACAGGCATGCGCCACCACACCCAGCTAATTTTGTATTTTT[A>G]GTAGCAACGGGGTTTCTCCATGTTGGTCAGGCTGGTCTCCAACCCCCGACCTCAGGTGAT-3'